The following is an entry in ClinVar:

ClinVar aggregate classification (germline): Uncertain significance (1 of 4 stars; one submission).

Submission:

Labcorp Genetics (formerly Invitae), Labcorp
Classification: Uncertain significance. Last evaluated: 2025-11-27. Review status: criteria provided, single submitter. Criteria: Invitae Variant Classification Sherloc (09022015). Collection method: clinical testing. Allele origin: germline.
Comment: This sequence change replaces histidine, which is basic and polar, with aspartic acid, which is acidic and polar, at codon 119 of the DHX32 protein (p.His119Asp). This variant is not present in population databases (gnomAD no frequency). This variant has not been reported in the literature in individuals affected with DHX32-related conditions. An algorithm developed to predict the effect of missense changes on protein structure and function (PolyPhen-2) suggests that this variant is likely to be tolerated. In summary, the available evidence is currently insufficient to determine the role of this variant in disease. Therefore, it has been classified as a Variant of Uncertain Significance.

NM_018180.3(DHX32):c.355C>G (p.His119Asp)

Gene: DHX32 (DEAH-box helicase 32 (putative); minus strand). Cytogenetic location: 10q26.2.
Variant type: single nucleotide variant.
Coding change: c.355C>G on transcript NM_018180.3 (MANE Select); coding-DNA position 355, C replaced by G.
Protein change: p.His119Asp; replaces histidine 119 with aspartic acid.
Molecular consequence: missense variant.
Genome position (GRCh38, 1-based): chr10:125,867,111, G>C on the plus strand (C>G on the coding strand, the complement: DHX32 is on the minus strand). VCF-style: chr10-125867111-G-C. GRCh37 (hg19) VCF-style: chr10-127555680-G-C.
Other names: short protein forms H119D.
Identifiers: ClinVar variation 4768806 (VCV004768806.1).